The following is an entry in ClinVar:

NM_005685.4(GTF2IRD1):c.646G>T (p.Glu216Ter)

Gene: GTF2IRD1 (GTF2I repeat domain containing 1; plus strand). Cytogenetic location: 7q11.23.
Variant type: single nucleotide variant.
Coding change: c.646G>T on transcript NM_005685.4 (MANE Select); coding-DNA position 646, G replaced by T.
Protein change: p.Glu216Ter; replaces glutamic acid 216 with a stop codon.
Molecular consequence: nonsense.
Genome position (GRCh38, 1-based): chr7:74,519,449, G>T. VCF-style: chr7-74519449-G-T. GRCh37 (hg19) VCF-style: chr7-73933779-G-T.
Other names: c.742G>T, p.Glu248Ter (NM_001199207.2); c.646G>T, p.Glu216Ter (NM_001410888.1, NM_016328.3); short protein forms E216*, E248*.
Identifiers: ClinVar variation 2691597 (VCV002691597.1), dbSNP rs2488690196, ClinGen allele CA367940167.

ClinVar aggregate classification (germline): Uncertain significance (1 of 4 stars; one submission).

Submission:

Women's Health and Genetics/Laboratory Corporation of America, LabCorp
Classification: Uncertain significance. Last evaluated: 2023-12-11. Review status: criteria provided, single submitter. Criteria: LabCorp Variant Classification Summary - May 2015. Collection method: clinical testing. Allele origin: germline.
Comment: Variant summary: GTF2IRD1 c.646G>T (p.Glu216X) results in a premature termination codon, predicted to cause a truncation of the encoded protein or absence of the protein due to nonsense mediated decay, however the molecular mechanism of disease attributed to GTF2IRD1 is currently unknown. The variant was absent in 209266 control chromosomes. The available data on variant occurrences in the general population are insufficient to allow any conclusion about variant significance. To our knowledge, no occurrence of c.646G>T in individuals affected with GTF2IRD1-Related Disorders and no experimental evidence demonstrating its impact on protein function have been reported. No submitters have cited clinical-significance assessments for this variant to ClinVar after 2014. Based on the evidence outlined above, the variant was classified as uncertain significance.